The following is an entry in ClinVar:

NM_001365536.1(SCN9A):c.2219T>C (p.Ile740Thr)

Genes: SCN9A (sodium voltage-gated channel alpha subunit 9; minus strand), SCN1A-AS1 (SCN1A and SCN9A antisense RNA 1; plus strand). Cytogenetic location: 2q24.3.
Variant type: single nucleotide variant.
Coding change: c.2219T>C on transcript NM_001365536.1 (MANE Select); coding-DNA position 2219, T replaced by C.
Protein change: p.Ile740Thr; replaces isoleucine 740 with threonine.
Molecular consequence: missense variant.
Genome position (GRCh38, 1-based): chr2:166,280,481, A>G on the plus strand (T>C on the coding strand, the complement: SCN9A is on the minus strand). VCF-style: chr2-166280481-A-G. GRCh37 (hg19) VCF-style: chr2-167136991-A-G.
Other names: c.2186T>C, p.Ile729Thr (NM_002977.4); short protein forms I729T, I740T.
Identifiers: ClinVar variation 1033963 (VCV001033963.1), dbSNP rs1697430038, ClinGen allele CA349079693.

ClinVar aggregate classification (germline): Uncertain significance (1 of 4 stars; one submission).

Conditions:
Generalized epilepsy with febrile seizures plus, type 7 (GEFSP7). Also called: GEFS+, TYPE 7. Identifiers: Orphanet 36387, MedGen C2751778, MONDO:0013470, OMIM 613863.

Submission:

Baylor Genetics
Classification: Uncertain significance for Generalized epilepsy with febrile seizures plus, type 7. Last evaluated: 2018-03-01. Review status: criteria provided, single submitter. Criteria: ACMG Guidelines, 2015. Collection method: clinical testing. Allele origin: paternal. Affected: yes.
Comment: This variant was determined to be of uncertain significance according to ACMG Guidelines, 2015 [PMID:25741868].